The following is an entry in ClinVar:

NM_000057.4(BLM):c.2137A>G (p.Ile713Val)

Gene: BLM (BLM RecQ like helicase; plus strand). Cytogenetic location: 15q26.1.
Variant type: single nucleotide variant.
Coding change: c.2137A>G on transcript NM_000057.4 (MANE Select); coding-DNA position 2137, A replaced by G.
Protein change: p.Ile713Val; replaces isoleucine 713 with valine.
Molecular consequence: missense variant.
Genome position (GRCh38, 1-based): chr15:90,765,358, A>G. VCF-style: chr15-90765358-A-G. GRCh37 (hg19) VCF-style: chr15-91308588-A-G.
Other names: c.2137A>G, p.Ile713Val (NM_001287246.2, NM_001287247.2); c.1012A>G, p.Ile338Val (NM_001287248.2); short protein forms I338V, I713V.
Identifiers: ClinVar variation 1061679 (VCV001061679.9), dbSNP rs1896094984, ClinGen allele CA393844635.

ClinVar aggregate classification (germline): Uncertain significance (1 of 4 stars; one submission).

Conditions:
Bloom syndrome (BLM). Also called: Bloom-Torre-Machacek syndrome. Identifiers: Orphanet 125, MedGen C0005859, MONDO:0008876, OMIM 210900.

Allele frequency attached by ClinVar (database versions not stated): gnomAD exomes below 0.00001; TOPMed below 0.00001.
gnomAD v4.1: 1 of 1,613,902 alleles (0.000062%); highest among the groups gnomAD compares: Non-Finnish European, 0.000085%; no homozygotes.

Submission:

Labcorp Genetics (formerly Invitae), Labcorp
Classification: Uncertain significance for Bloom syndrome. Last evaluated: 2023-12-11. Review status: criteria provided, single submitter. Criteria: Invitae Variant Classification Sherloc (09022015). Collection method: clinical testing. Allele origin: germline.
Comment: This sequence change replaces isoleucine, which is neutral and non-polar, with valine, which is neutral and non-polar, at codon 713 of the BLM protein (p.Ile713Val). This variant is not present in population databases (gnomAD no frequency). This variant has not been reported in the literature in individuals affected with BLM-related conditions. ClinVar contains an entry for this variant (Variation ID: 1061679). Advanced modeling of protein sequence and biophysical properties (such as structural, functional, and spatial information, amino acid conservation, physicochemical variation, residue mobility, and thermodynamic stability) performed at Invitae indicates that this missense variant is not expected to disrupt BLM protein function with a negative predictive value of 80%. In summary, the available evidence is currently insufficient to determine the role of this variant in disease. Therefore, it has been classified as a Variant of Uncertain Significance.